The following is an entry in ClinVar:

ClinVar aggregate classification (germline): Uncertain significance (1 of 4 stars; one submission).

Allele frequency attached by ClinVar (database versions not stated): gnomAD exomes below 0.00001 and 0.00001; TOPMed 0.00002.

Submission:

Labcorp Genetics (formerly Invitae), Labcorp
Classification: Uncertain significance. Last evaluated: 2022-07-12. Review status: criteria provided, single submitter. Criteria: Invitae Variant Classification Sherloc (09022015). Collection method: clinical testing. Allele origin: germline.
Comment: This sequence change replaces glutamic acid, which is acidic and polar, with glycine, which is neutral and non-polar, at codon 1893 of the MYO7A protein (p.Glu1893Gly). The frequency data for this variant in the population databases is considered unreliable, as metrics indicate poor data quality at this position in the gnomAD database. This variant has not been reported in the literature in individuals affected with MYO7A-related conditions. ClinVar contains an entry for this variant (Variation ID: 1450438). Advanced modeling of protein sequence and biophysical properties (such as structural, functional, and spatial information, amino acid conservation, physicochemical variation, residue mobility, and thermodynamic stability) performed at Invitae indicates that this missense variant is expected to disrupt MYO7A protein function. In summary, the available evidence is currently insufficient to determine the role of this variant in disease. Therefore, it has been classified as a Variant of Uncertain Significance.

NM_000260.4(MYO7A):c.5678A>G (p.Glu1893Gly)

Gene: MYO7A (myosin VIIA; plus strand). Cytogenetic location: 11q13.5.
Variant type: single nucleotide variant.
Coding change: c.5678A>G on transcript NM_000260.4 (MANE Select); coding-DNA position 5678, A replaced by G.
Protein change: p.Glu1893Gly; replaces glutamic acid 1893 with glycine.
Molecular consequence: missense variant.
Genome position (GRCh38, 1-based): chr11:77,206,138, A>G. VCF-style: chr11-77206138-A-G. GRCh37 (hg19) VCF-style: chr11-76917183-A-G.
Other names: c.5564A>G, p.Glu1855Gly (NM_001127180.2); c.5531A>G, p.Glu1844Gly (NM_001369365.1); short protein forms E1855G, E1893G, E1844G.
Identifiers: ClinVar variation 1450438 (VCV001450438.5), dbSNP rs1315108430, ClinGen allele CA381953247.